The following is an entry in ClinVar:

NM_005359.6(SMAD4):c.321_330dup (p.His111Ter)

Gene: SMAD4 (SMAD family member 4; plus strand). Cytogenetic location: 18q21.2.
Variant type: Duplication.
Coding change: c.321_330dup on transcript NM_005359.6 (MANE Select); coding-DNA positions 321 to 330, 10 bases duplicated (TGAACTAAAA; older notation c.321_330dupTGAACTAAAA).
Protein change: p.His111Ter; replaces histidine 111 with a stop codon.
Molecular consequence: nonsense.
Genome position (GRCh38, 1-based): chr18:51,048,757-51,048,766, TGAACTAAAA duplicated; duplicating any 10 consecutive bases within chr18:51,048,753-51,048,766 gives the same sequence; the c. name uses the placement nearest the transcript's 3' end. VCF-style (leftmost placement, unchanged base first): chr18-51048752-A-AAAAATGAACT. GRCh37 (hg19) VCF-style: chr18-48575122-A-AAAAATGAACT.
Other names: short protein forms H111*.
Identifiers: ClinVar variation 851815 (VCV000851815.7), dbSNP rs1909619692, ClinGen allele CA916081936.

ClinVar aggregate classification (germline): Pathogenic (1 of 4 stars; one submission).

Conditions:
Juvenile polyposis syndrome (JPS). Identifiers: Orphanet 2929, MedGen C0345893, MONDO:0017380, OMIM 174900.

Submission:

Labcorp Genetics (formerly Invitae), Labcorp
Classification: Pathogenic for Juvenile polyposis syndrome. Last evaluated: 2019-03-03. Review status: criteria provided, single submitter. Criteria: Invitae Variant Classification Sherloc (09022015). Collection method: clinical testing. Allele origin: germline.
Comment: For these reasons, this variant has been classified as Pathogenic. Loss-of-function variants in SMAD4 are known to be pathogenic (PMID: 16152648, 16436638, 22810475). This variant has not been reported in the literature in individuals with SMAD4-related conditions. This variant is not present in population databases (ExAC no frequency). This sequence change creates a premature translational stop signal (p.His111*) in the SMAD4 gene. It is expected to result in an absent or disrupted protein product.

Literature cited by the submitters: PubMed 16152648; PubMed 16436638; PubMed 22810475.